The following is an entry in ClinVar:

NM_000455.5(STK11):c.448G>A (p.Val150Met)

Gene: STK11 (serine/threonine kinase 11; plus strand). Cytogenetic location: 19p13.3.
Variant type: single nucleotide variant.
Coding change: c.448G>A on transcript NM_000455.5 (MANE Select); coding-DNA position 448, G replaced by A.
Protein change: p.Val150Met; replaces valine 150 with methionine.
Molecular consequence: missense variant.
Genome position (GRCh38, 1-based): chr19:1,219,397, G>A. VCF-style: chr19-1219397-G-A. GRCh37 (hg19) VCF-style: chr19-1219396-G-A.
Other names: short protein forms V150M.
Identifiers: ClinVar variation 924995 (VCV000924995.17), dbSNP rs1225872771, ClinGen allele CA402948351.
Genomic context (GRCh38, chr19:1,219,397, plus strand): 5'-GAGTACTGCGTGTGTGGCATGCAGGAAATGCTGGACAGCGTGCCGGAGAAGCGTTTCCCA[G>A]TGTGCCAGGCCCACGGGTGCGTGCGCGGGGCAGGGGCCAGGGTGGGGCGGGGGCCGGGGG-3'
Protein context (NP_000446.1, residues 140-160): LDSVPEKRFP[Val150Met]CQAHGYFCQL

ClinVar aggregate classification (germline): Uncertain significance. Review status: criteria provided, multiple submitters, no conflicts (2 of 4 stars). 6 submissions from 6 submitters: Uncertain significance (6). Last evaluated 2026-04-20.

Conditions:
Hereditary cancer-predisposing syndrome. Also called: Hereditary Cancer Syndrome; Neoplastic Syndromes, Hereditary; Tumor predisposition; Hereditary neoplastic syndrome. Identifiers: Orphanet 140162, MedGen C0027672, MeSH D009386, MONDO:0015356.
Melanoma, cutaneous malignant, susceptibility to, 1 (CMM1). Also called: B-K MOLE SYNDROME; MELANOMA, MALIGNANT; DYSPLASTIC NEVUS SYNDROME, HEREDITARY; FAMILIAL ATYPICAL MOLE-MALIGNANT MELANOMA SYNDROME. Identifiers: Orphanet 618, MedGen C1835047, MONDO:0007963, OMIM 155600.
Germ cell tumor of testis (TGCT). Also called: GERM CELL TUMOR, SOMATIC; Testicular germ cell tumor. Identifiers: Orphanet 363504, MedGen C1336708, MONDO:0010108, OMIM 273300.
Peutz-Jeghers syndrome (PJS). Also called: POLYPOSIS, HAMARTOMATOUS INTESTINAL; POLYPS-AND-SPOTS SYNDROME; Peutz-Jeghers polyposis; Periorificial lentiginosis syndrome. Identifiers: Orphanet 2869, MedGen C0031269, MeSH D010580, MONDO:0008280, OMIM 175200.
Familial pancreatic carcinoma. Identifiers: Orphanet 1333, MedGen C2931038, MONDO:0015278, OMIM 260350.

Allele frequency attached by ClinVar (database versions not stated): gnomAD 0.00001.
gnomAD v4.1: 1 of 1,586,598 alleles (0.000063%); highest among the groups gnomAD compares: East Asian, 0.0024%; no homozygotes.

Submissions (6):

Ambry Genetics
Classification: Uncertain significance for Hereditary cancer-predisposing syndrome. Last evaluated: 2026-04-20. Review status: criteria provided, single submitter. Criteria: Ambry Variant Classification Scheme 2023. Collection method: clinical testing. Allele origin: germline.
Comment: The p.V150M variant (also known as c.448G>A), located in coding exon 3 of the STK11 gene, results from a G to A substitution at nucleotide position 448. The valine at codon 150 is replaced by methionine, an amino acid with highly similar properties. This amino acid position is well conserved in available vertebrate species. In addition, the in silico prediction for this alteration is inconclusive.Based on the available evidence, the clinical significance of this variant remains unclear.

Labcorp Genetics (formerly Invitae), Labcorp
Classification: Uncertain significance for Peutz-Jeghers syndrome. Last evaluated: 2025-08-17. Review status: criteria provided, single submitter. Criteria: Invitae Variant Classification Sherloc (09022015). Collection method: clinical testing. Allele origin: germline.
Comment: This sequence change replaces valine, which is neutral and non-polar, with methionine, which is neutral and non-polar, at codon 150 of the STK11 protein (p.Val150Met). This variant is present in population databases (no rsID available, gnomAD 0.06%). This variant has not been reported in the literature in individuals affected with STK11-related conditions. ClinVar contains an entry for this variant (Variation ID: 924995). Invitae Evidence Modeling of protein sequence and biophysical properties (such as structural, functional, and spatial information, amino acid conservation, physicochemical variation, residue mobility, and thermodynamic stability) indicates that this missense variant is not expected to disrupt STK11 protein function with a negative predictive value of 95%. In summary, the available evidence is currently insufficient to determine the role of this variant in disease. Therefore, it has been classified as a Variant of Uncertain Significance.

Color Diagnostics, LLC DBA Color Health
Classification: Uncertain significance for Hereditary cancer-predisposing syndrome. Last evaluated: 2024-03-06. Review status: criteria provided, single submitter. Criteria: ACMG Guidelines, 2015. Collection method: clinical testing. Allele origin: germline.
Comment: This missense variant replaces valine with methionine at codon 150 of the STK11 protein. Computational prediction suggests that this variant may not impact protein structure and function (internally defined REVEL score threshold <= 0.5, PMID: 27666373). To our knowledge, functional studies have not been reported for this variant. This variant has not been reported in individuals affected with STK11-related disorders in the literature. This variant has been identified in 1/31312 chromosomes in the general population by the Genome Aggregation Database (gnomAD). The available evidence is insufficient to determine the role of this variant in disease conclusively. Therefore, this variant is classified as a Variant of Uncertain Significance.

GeneDx
Classification: Uncertain significance. Last evaluated: 2023-12-22. Review status: criteria provided, single submitter. Criteria: GeneDx Variant Classification Process June 2021. Collection method: clinical testing. Allele origin: germline. Affected: yes.
Comment: Observed in large population cohorts (gnomAD; internal data); In silico analysis supports that this missense variant does not alter protein structure/function; Has not been previously published as pathogenic or benign to our knowledge; This variant is associated with the following publications: (PMID: 15863673)

Department of Pathology and Laboratory Medicine, Sinai Health System
Classification: Uncertain significance for Melanoma, cutaneous malignant, susceptibility to, 1; Peutz-Jeghers syndrome; Familial pancreatic carcinoma; Germ cell tumor of testis. Last evaluated: 2022-06-08. Review status: criteria provided, single submitter. Criteria: ACMG Guidelines, 2015. Collection method: clinical testing. Allele origin: germline. Affected: yes.

Genome-Nilou Lab
Classification: Uncertain significance for Peutz-Jeghers syndrome. Last evaluated: 2021-07-15. Review status: criteria provided, single submitter. Criteria: ACMG Guidelines, 2015. Collection method: clinical testing. Allele origin: germline. Affected: no.